The following is an entry in ClinVar:

NM_182914.3(SYNE2):c.8597C>T (p.Thr2866Met)

Gene: SYNE2 (spectrin repeat containing nuclear envelope protein 2; plus strand). Cytogenetic location: 14q23.2.
Variant type: single nucleotide variant.
Coding change: c.8597C>T on transcript NM_182914.3 (MANE Select); coding-DNA position 8597, C replaced by T.
Protein change: p.Thr2866Met; replaces threonine 2866 with methionine.
Molecular consequence: missense variant.
Genome position (GRCh38, 1-based): chr14:64,052,510, C>T. VCF-style: chr14-64052510-C-T. GRCh37 (hg19) VCF-style: chr14-64519228-C-T.
Other names: c.8597C>T, p.Thr2866Met (NM_015180.6); short protein forms T2866M.
Identifiers: ClinVar variation 130515 (VCV000130515.24), dbSNP rs114508894, ClinGen allele CA155614.
Genomic context (GRCh38, chr14:64,052,510, plus strand): 5'-TTCAACTTATGGTTCAAGAAAGTGAAACACTGATAATTCCCAGGGTGGAGACAGCTGCCA[C>T]GGAAGCTGAACTAAAACATCACCATGTTACTTTGGAGGCATCTCAGAAGGAATTGCAAGA-3'
Protein context (NP_878918.2, residues 2856-2876): LIIPRVETAA[Thr2866Met]EAELKHHHVT

ClinVar aggregate classification (germline): Benign/Likely benign. Review status: criteria provided, multiple submitters, no conflicts (2 of 4 stars). 7 submissions from 7 submitters: Benign (5); Likely benign (1). 1 of the submissions does not count toward it. Last evaluated 2026-01-15.

Conditions:
SYNE2-related disorder. Also called: SYNE2-related condition.
Emery-Dreifuss muscular dystrophy 5, autosomal dominant (EDMD5). Also called: EMERY-DREIFUSS MUSCULAR DYSTROPHY 5. Identifiers: Orphanet 261, MedGen C2751805, MONDO:0013072, OMIM 612999.

Allele frequency attached by ClinVar (database versions not stated): gnomAD exomes 0.00122 and 0.00314; ExAC 0.00377; 1000 Genomes Project 0.01198; gnomAD 0.01220 and 0.01330; 1000 Genomes Project 30x 0.01249; ESP Exome Variant Server 0.01350; TOPMed 0.01443.
gnomAD v4.1: 3,709 of 1,614,076 alleles (0.23%); highest among the groups gnomAD compares: African/African-American, 4.4%; 70 homozygotes.

Submissions (7):

Labcorp Genetics (formerly Invitae), Labcorp
Classification: Benign for Emery-Dreifuss muscular dystrophy 5, autosomal dominant. Last evaluated: 2026-01-15. Review status: criteria provided, single submitter. Criteria: Invitae Variant Classification Sherloc (09022015). Collection method: clinical testing. Allele origin: germline.

PreventionGenetics, part of Exact Sciences
Classification: Benign for SYNE2-related condition. Last evaluated: 2025-08-05. Review status: criteria provided, single submitter. Criteria: ACMG Guidelines, 2015. Collection method: clinical testing. Allele origin: germline.
Comment: This variant is classified as benign based on ACMG/AMP sequence variant interpretation guidelines (Richards et al. 2015 PMID: 25741868, with internal and published modifications).

Athena Diagnostics
Classification: Benign. Last evaluated: 2024-08-01. Review status: criteria provided, single submitter. Criteria: Athena Diagnostics Criteria. Collection method: clinical testing. Allele origin: unknown.

Fulgent Genetics
Classification: Likely benign for Emery-Dreifuss muscular dystrophy 5, autosomal dominant. Last evaluated: 2022-01-13. Review status: criteria provided, single submitter. Criteria: ACMG Guidelines, 2015. Collection method: clinical testing. Allele origin: unknown.

Illumina Laboratory Services, Illumina
Classification: Benign for Emery-Dreifuss muscular dystrophy 5, autosomal dominant. Last evaluated: 2018-01-12. Review status: criteria provided, single submitter. Criteria: ICSL Variant Classification Criteria 13 December 2019. Collection method: clinical testing. Allele origin: germline.
Comment: This variant was observed in the ICSL laboratory as part of a predisposition screen in an ostensibly healthy population. It had not been previously curated by ICSL or reported in the Human Gene Mutation Database (HGMD: prior to June 1st, 2018), and was therefore a candidate for classification through an automated scoring system. Utilizing variant allele frequency, disease prevalence and penetrance estimates, and inheritance mode, an automated score was calculated to assess if this variant is too frequent to cause the disease. Based on the score and internal cut-off values, a variant classified as benign is not then subjected to further curation. The score for this variant resulted in a classification of benign for this disease.

Breakthrough Genomics
Classification: Benign. Review status: criteria provided, single submitter. Criteria: ACMG Guidelines, 2015. Collection method: not provided. Allele origin: germline. Inheritance: Autosomal dominant inheritance. Affected: yes.

Genetic Services Laboratory, University of Chicago
Classification: Likely benign for AllHighlyPenetrant. Review status: no assertion criteria provided. Collection method: clinical testing. Allele origin: germline. Inheritance: Autosomal dominant inheritance. Not counted in ClinVar's aggregate classification.
Comment: Likely benign based on allele frequency in 1000 Genomes Project or ESP global frequency and its presence in a patient with a rare or unrelated disease phenotype. NOT Sanger confirmed.